The following is an entry in ClinVar:

ClinVar aggregate classification (germline): Uncertain significance (1 of 4 stars; one submission).

Submission:

GeneDx
Classification: Uncertain significance. Last evaluated: 2025-01-14. Review status: criteria provided, single submitter. Criteria: GeneDx Variant Classification Process June 2021. Collection method: clinical testing. Allele origin: germline. Affected: yes.
Comment: Not observed at significant frequency in large population cohorts (gnomAD); In silico analysis indicates that this missense variant does not alter protein structure/function; Has not been previously published as pathogenic or benign to our knowledge

NM_005898.5(CAPRIN1):c.376A>G (p.Thr126Ala)

Gene: CAPRIN1 (cell cycle associated protein 1; plus strand). Cytogenetic location: 11p13.
Variant type: single nucleotide variant.
Coding change: c.376A>G on transcript NM_005898.5 (MANE Select); coding-DNA position 376, A replaced by G.
Protein change: p.Thr126Ala; replaces threonine 126 with alanine.
Molecular consequence: missense variant.
Genome position (GRCh38, 1-based): chr11:34,076,245, A>G. VCF-style: chr11-34076245-A-G. GRCh37 (hg19) VCF-style: chr11-34097792-A-G.
Other names: c.376A>G, p.Thr126Ala (NM_203364.3); short protein forms T126A.
Identifiers: ClinVar variation 4057175 (VCV004057175.1).